The following is an entry in ClinVar:

ClinVar aggregate classification (germline): Likely benign (1 of 4 stars; one submission).

Allele frequency attached by ClinVar (database versions not stated): 1000 Genomes Project 0.00579; 1000 Genomes Project 30x 0.00609; gnomAD 0.00611 and 0.00668; TOPMed 0.00704.
gnomAD v4.1: 922 of 152,226 alleles (0.61%); highest among the groups gnomAD compares: African/African-American, 2.1%; 9 homozygotes.

Submission:

GeneDx
Classification: Likely benign. Last evaluated: 2018-06-16. Review status: criteria provided, single submitter. Criteria: GeneDx Variant Classification (06012015). Collection method: clinical testing. Allele origin: germline. Affected: yes.
Comment: This variant is considered likely benign or benign based on one or more of the following criteria: it is a conservative change, it occurs at a poorly conserved position in the protein, it is predicted to be benign by multiple in silico algorithms, and/or has population frequency not consistent with disease.

NM_001005361.3(DNM2):c.1197-242G>T

Gene: DNM2 (dynamin 2; plus strand). Cytogenetic location: 19p13.2.
Variant type: single nucleotide variant.
Coding change: c.1197-242G>T on transcript NM_001005361.3 (MANE Select); 242 bases into the intron before coding-DNA position 1197, G replaced by T.
Molecular consequence: intron variant.
Genome position (GRCh38, 1-based): chr19:10,797,138, G>T. VCF-style: chr19-10797138-G-T. GRCh37 (hg19) VCF-style: chr19-10907814-G-T.
Other names: c.1335+939G>T (NM_001005360.3, NM_001190716.2, NM_004945.4); c.1197-242G>T (NM_001005362.3).
Identifiers: ClinVar variation 678895 (VCV000678895.1), dbSNP rs115609558, ClinGen allele CA305282329.